The following is an entry in ClinVar:

ClinVar aggregate classification (germline): Uncertain significance. Review status: criteria provided, single submitter (1 of 4 stars). 2 submissions from 2 submitters: Uncertain significance (1). 1 of the submissions does not count toward it. Last evaluated 2022-07-01.

Conditions:
CHAMP1-related disorder. Also called: CHAMP1-related condition.

Allele frequency attached by ClinVar (database versions not stated): gnomAD exomes below 0.00001 and 0.00002; TOPMed below 0.00001; ExAC 0.00001.

Submissions (2):

CeGaT Center for Human Genetics Tuebingen
Classification: Uncertain significance. Last evaluated: 2022-07-01. Review status: criteria provided, single submitter. Criteria: CeGaT Center For Human Genetics Tuebingen Variant Classification Criteria Version 2. Collection method: clinical testing. Allele origin: germline. Affected: yes. Observed: 1 variant allele.

PreventionGenetics, part of Exact Sciences
Classification: Likely benign for CHAMP1-related condition. Last evaluated: 2024-03-27. Review status: no assertion criteria provided. Collection method: clinical testing. Allele origin: germline. Not counted in ClinVar's aggregate classification.
Comment: This variant is classified as likely benign based on ACMG/AMP sequence variant interpretation guidelines (Richards et al. 2015 PMID: 25741868, with internal and published modifications).

NM_032436.4(CHAMP1):c.796G>A (p.Glu266Lys)

Gene: CHAMP1 (chromosome alignment maintaining phosphoprotein 1; plus strand). Cytogenetic location: 13q34.
Variant type: single nucleotide variant.
Coding change: c.796G>A on transcript NM_032436.4 (MANE Select); coding-DNA position 796, G replaced by A.
Protein change: p.Glu266Lys; replaces glutamic acid 266 with lysine.
Molecular consequence: missense variant.
Genome position (GRCh38, 1-based): chr13:114,324,638, G>A. VCF-style: chr13-114324638-G-A. GRCh37 (hg19) VCF-style: chr13-115090113-G-A.
Other names: c.796G>A (NM_001164145.2); c.796G>A, p.Glu266Lys (NM_001164144.3, NM_001164145.3); short protein forms E266K.
Identifiers: ClinVar variation 1701225 (VCV001701225.31), dbSNP rs782551982, ClinGen allele CA7070688.
Genomic context (GRCh38, chr13:114,324,638, plus strand): 5'-GAGTCACCAGTTCTAGCTGCTTCCCCAGAACCTTGGGGACCATCCCCAGCTGCATCTCCA[G>A]AATCTCGGAAGTCAGCCCGGACTACCTCCCCTGAGCCAAGGAAGCCATCCCCTTCAGAGT-3'
Protein context (NP_115812.1, residues 256-276): PWGPSPAASP[Glu266Lys]SRKSARTTSP